The following is an entry in ClinVar:

NM_000211.5(ITGB2):c.453C>T (p.Gly151=)

Gene: ITGB2 (integrin subunit beta 2; minus strand). Cytogenetic location: 21q22.3.
Variant type: single nucleotide variant.
Coding change: c.453C>T on transcript NM_000211.5 (MANE Select); coding-DNA position 453, C replaced by T.
Protein change: p.Gly151=; no amino-acid change (glycine 151 retained).
Molecular consequence: synonymous variant.
Genome position (GRCh38, 1-based): chr21:44,903,411, G>A on the plus strand (C>T on the coding strand, the complement: ITGB2 is on the minus strand). VCF-style: chr21-44903411-G-A. GRCh37 (hg19) VCF-style: chr21-46323326-G-A.
Other names: c.453C>T, p.Gly151= (NM_001127491.3); c.246C>T, p.Gly82= (NM_001303238.2).
Identifiers: ClinVar variation 530693 (VCV000530693.36), dbSNP rs372501675, ClinGen allele CA10063218.

ClinVar aggregate classification (germline): Likely benign. Review status: criteria provided, multiple submitters, no conflicts (2 of 4 stars). 3 submissions from 3 submitters: Likely benign (3). Last evaluated 2025-11-04.

Conditions:
Leukocyte adhesion deficiency 1 (LAD1). Also called: LEUKOCYTE ADHESION DEFICIENCY, TYPE I; LAD 1; Lymphocyte function-associated antigen 1 immunodeficiency; LFA 1 immunodeficiency. Identifiers: Orphanet 2968, Orphanet 99842, MedGen C0398738, MONDO:0007293, OMIM 116920.

Allele frequency attached by ClinVar (database versions not stated): ESP Exome Variant Server 0.00008; ExAC 0.00014; gnomAD exomes 0.00015 and 0.00017; TOPMed 0.00016; gnomAD 0.00020 and 0.00021.
gnomAD v4.1: 280 of 1,613,990 alleles (0.017%); highest among the groups gnomAD compares: Non-Finnish European, 0.021%; no homozygotes.

Submissions (5):

Labcorp Genetics (formerly Invitae), Labcorp
Classification: Likely benign for Leukocyte adhesion deficiency 1. Last evaluated: 2025-11-04. Review status: criteria provided, single submitter. Criteria: Invitae Variant Classification Sherloc (09022015). Collection method: clinical testing. Allele origin: germline.

Blueprint Genetics
Classification: Likely benign. Last evaluated: 2024-10-02. Review status: criteria provided, single submitter. Criteria: ACMG Guidelines, 2015. Collection method: clinical testing. Allele origin: germline.

CeGaT Center for Human Genetics Tuebingen
Classification: Likely benign. Last evaluated: 2024-02-01. Review status: criteria provided, single submitter. Criteria: CeGaT Center For Human Genetics Tuebingen Variant Classification Criteria Version 2. Collection method: clinical testing. Allele origin: germline. Affected: yes. Observed: 1 variant allele.
Comment: ITGB2: BP4, BP7

Dr. Peter K. Rogan Lab, Western University
No classification provided (evidence only). Condition: Clear cell carcinoma of kidney. Review status: no classification provided. Collection method: in vitro. Allele origin: not applicable. Functional consequence: retained intron. Not counted in ClinVar's aggregate classification.

Dr. Peter K. Rogan Lab, Western University
No classification provided (evidence only). Condition: Colon adenocarcinoma. Review status: no classification provided. Collection method: in vitro. Allele origin: not applicable. Functional consequence: retained intron. Not counted in ClinVar's aggregate classification.